The following is an entry in ClinVar:

NM_001368894.2(PAX6):c.1078C>G (p.Pro360Ala)

Gene: PAX6 (paired box 6; minus strand). Cytogenetic location: 11p13.
Variant type: single nucleotide variant.
Coding change: c.1078C>G on transcript NM_001368894.2 (MANE Select); coding-DNA position 1078, C replaced by G.
Protein change: p.Pro360Ala; replaces proline 360 with alanine.
Molecular consequence: missense variant. On other transcripts: non-coding transcript variant (1), intron variant (9).
Genome position (GRCh38, 1-based): chr11:31,790,857, G>C on the plus strand (C>G on the coding strand, the complement: PAX6 is on the minus strand). VCF-style: chr11-31790857-G-C. GRCh37 (hg19) VCF-style: chr11-31812405-G-C.
Other names: c.877C>G, p.Pro293Ala (NM_001368927.2, NM_001368922.2, NM_001368923.2 and 3 more transcripts); c.835C>G, p.Pro279Ala (NM_001368928.2); c.433C>G, p.Pro145Ala (NM_001368930.2); c.1078C>G, p.Pro360Ala (NM_001604.6, NM_001258462.3, NM_001258463.2 and 3 more transcripts); c.874-838C>G (NM_001368921.2); c.1033-838C>G (NM_001368915.2, NM_001368917.2, NM_001368916.2); c.1075-838C>G (NM_001368914.2, NM_001368912.2, NM_001368913.2); c.1078-838C>G (NM_001368911.2); and 6 more; short protein forms P346A, P145A, P293A, P371A, P427A, P385A, P210A, P279A.
Identifiers: ClinVar variation 431999 (VCV000431999.3), dbSNP rs780973082, ClinGen allele CA5933683.
Genomic context (GRCh38, chr11:31,790,857, plus strand): 5'-CATTCACCGAAGGGCTGGTGGGCAGCATGCAGGAGTATGAGGAGGTCTGGCTGGGGACTG[G>C]GGGCTGTGAGGAGAGAGGCAAACCTGTGGTTACTGAGGAACACATCACACAGCCACAGCC-3'
Protein context (NP_001355823.1, residues 350-370): TMANNLPMQP[Pro360Ala]VPSQTSSYSC

ClinVar aggregate classification (germline): Uncertain significance (1 of 4 stars; one submission).

Allele frequency attached by ClinVar (database versions not stated): gnomAD 0.00001; gnomAD exomes 0.00001 and 0.00002; TOPMed 0.00001; ExAC 0.00002.
gnomAD v4.1: 26 of 1,613,888 alleles (0.0016%); highest among the groups gnomAD compares: South Asian, 0.0022%; 1 homozygote.

Submission:

GeneDx
Classification: Uncertain significance. Last evaluated: 2017-06-20. Review status: criteria provided, single submitter. Criteria: GeneDx Variant Classification (06012015). Collection method: clinical testing. Allele origin: germline. Affected: yes.
Comment: The P346A variant in the PAX6 gene has been previously reported as a heterozygous finding in an individual with hyperopia and cataract (Hewitt et al., 2007). This variant is observed in 2/15604 (0.013%) alleles from individuals of South Asian background in the ExAC dataset (Lek et al., 2016). The P346A variant is a semi-conservative amino acid substitution, which may impact secondary protein structure as these residues differ in some properties. This substitution occurs at a position that is conserved in mammals. In silico analysis is inconsistent in its predictions as to whether or not the variant is damaging to the protein structure/function. We interpret P346A as a variant of uncertain significance.